The following is an entry in ClinVar:

ClinVar aggregate classification (germline): Uncertain significance (1 of 4 stars; one submission).

Submission:

Labcorp Genetics (formerly Invitae), Labcorp
Classification: Uncertain significance. Last evaluated: 2025-09-13. Review status: criteria provided, single submitter. Criteria: Invitae Variant Classification Sherloc (09022015). Collection method: clinical testing. Allele origin: germline.
Comment: This variant, c.207_209dup, is a complex sequence change that results in the insertion of 1 amino acid(s) in the FOXI3 protein (p.Ala74dup). The frequency data for this variant in the population databases is considered unreliable, as metrics indicate insufficient coverage at this position in the gnomAD database. This variant has not been reported in the literature in individuals affected with FOXI3-related conditions. Experimental studies and prediction algorithms are not available or were not evaluated, and the functional significance of this variant is currently unknown. In summary, the available evidence is currently insufficient to determine the role of this variant in disease. Therefore, it has been classified as a Variant of Uncertain Significance.

NM_001135649.3(FOXI3):c.198CGC[5] (p.Ala74dup)

Gene: FOXI3 (forkhead box I3; minus strand). Cytogenetic location: 2p11.2.
Variant type: Microsatellite.
Coding change: c.198CGC[5] on transcript NM_001135649.3 (MANE Select); five copies in a row of the 3-base unit CGC starting at c.198; the reference has four copies in a row; one copy, 3 bases duplicated.
Protein change: p.Ala74dup; duplicates alanine 74.
Molecular consequence: inframe insertion.
Genome position (GRCh38, 1-based): chr2:88,452,327-88,452,329, GCG duplicated on the plus strand (CGC on the coding strand, the reverse complement: FOXI3 is on the minus strand); duplicating any 3 consecutive bases within chr2:88,452,327-88,452,339 gives the same sequence; the position shown is the placement nearest the transcript's 3' end. VCF-style (leftmost placement, unchanged base first): chr2-88452326-T-TGCG. GRCh37 (hg19) VCF-style: chr2-88751844-T-TGCG.
Identifiers: ClinVar variation 1470568 (VCV001470568.6), dbSNP rs1186422212, ClinGen allele CA894287470.
Genomic context (GRCh38, chr2:88,452,326, plus strand): 5'-CCCGGCCGCGGCCCCGGGGGGCGGCGGCGGCGGCGGAGCGCCCAGGTACGCGGCGGCGGC[T>TGCG]GCGGCGGCGGCGGAGGGCGGGCCTCCCACGCCGGGCCCGTTGAGCCACAGGTAGGGGTTG-3'